The following is an entry in ClinVar:

ClinVar aggregate classification (germline): Uncertain significance (1 of 4 stars; one submission).

Allele frequency attached by ClinVar (database versions not stated): TOPMed 0.00001.

Submission:

Labcorp Genetics (formerly Invitae), Labcorp
Classification: Uncertain significance. Last evaluated: 2022-01-06. Review status: criteria provided, single submitter. Criteria: Invitae Variant Classification Sherloc (09022015). Collection method: clinical testing. Allele origin: germline.
Comment: This sequence change replaces tyrosine, which is neutral and polar, with cysteine, which is neutral and slightly polar, at codon 91 of the GNAT1 protein (p.Tyr91Cys). This variant is not present in population databases (gnomAD no frequency). This variant has not been reported in the literature in individuals affected with GNAT1-related conditions. ClinVar contains an entry for this variant (Variation ID: 969288). Algorithms developed to predict the effect of missense changes on protein structure and function (SIFT, PolyPhen-2, Align-GVGD) all suggest that this variant is likely to be disruptive. In summary, the available evidence is currently insufficient to determine the role of this variant in disease. Therefore, it has been classified as a Variant of Uncertain Significance.

NM_144499.3(GNAT1):c.272A>G (p.Tyr91Cys)

Gene: GNAT1 (G protein subunit alpha transducin 1; plus strand). Cytogenetic location: 3p21.31.
Variant type: single nucleotide variant.
Coding change: c.272A>G on transcript NM_144499.3 (MANE Select); coding-DNA position 272, A replaced by G.
Protein change: p.Tyr91Cys; replaces tyrosine 91 with cysteine.
Molecular consequence: missense variant.
Genome position (GRCh38, 1-based): chr3:50,193,387, A>G. VCF-style: chr3-50193387-A-G. GRCh37 (hg19) VCF-style: chr3-50230820-A-G.
Other names: c.272A>G, p.Tyr91Cys (NM_000172.4); short protein forms Y91C.
Identifiers: ClinVar variation 969288 (VCV000969288.6), dbSNP rs1403539761, ClinGen allele CA352913933.
Genomic context (GRCh38, chr3:50,193,387, plus strand): 5'-GCAACACGTTGCAGTCCATCCTGGCCATCGTACGCGCCATGACCACACTCAACATCCAGT[A>G]CGGAGACTCTGCACGCCAGGTGTGCCAGGAGGCGGGCTGAGCGGGCCTCTGGGGACTCGA-3'
Protein context (NP_653082.1, residues 81-101): VRAMTTLNIQ[Tyr91Cys]GDSARQDDAR